The following is an entry in ClinVar:

ClinVar aggregate classification (germline): Uncertain significance. Review status: criteria provided, multiple submitters, no conflicts (2 of 4 stars). 2 submissions from 2 submitters: Uncertain significance (2). Last evaluated 2026-04-17.

Conditions:
Inborn genetic diseases. Identifiers: MedGen C0950123, MeSH D030342.

gnomAD v4.1: 18 of 1,611,934 alleles (0.0011%); highest among the groups gnomAD compares: African/African-American, 0.008%; no homozygotes.

Submissions (2):

GeneDx
Classification: Uncertain significance. Last evaluated: 2026-04-17. Review status: criteria provided, single submitter. Criteria: GeneDx Variant Classification Process June 2021. Collection method: clinical testing. Allele origin: germline.
Comment: In silico analysis suggests that this missense variant does not alter protein structure/function; Has not been previously published as pathogenic or benign to our knowledge; This variant is associated with the following publications: (PMID: Jaiswal2017[Computational])

Ambry Genetics
Classification: Uncertain significance for Inborn genetic diseases. Last evaluated: 2024-09-24. Review status: criteria provided, single submitter. Criteria: Ambry Variant Classification Scheme 2023. Collection method: clinical testing. Allele origin: germline.

NM_001009944.3(PKD1):c.12241C>T (p.His4081Tyr)

Gene: PKD1 (polycystin 1, transient receptor potential channel interacting; minus strand). Cytogenetic location: 16p13.3.
Variant type: single nucleotide variant.
Coding change: c.12241C>T on transcript NM_001009944.3 (MANE Select); coding-DNA position 12241, C replaced by T.
Protein change: p.His4081Tyr; replaces histidine 4081 with tyrosine.
Molecular consequence: missense variant.
Genome position (GRCh38, 1-based): chr16:2,090,488, G>A on the plus strand (C>T on the coding strand, the complement: PKD1 is on the minus strand). VCF-style: chr16-2090488-G-A. GRCh37 (hg19) VCF-style: chr16-2140489-G-A.
Other names: c.12238C>T, p.His4080Tyr (NM_000296.4); short protein forms H4081Y, H4080Y.
Identifiers: ClinVar variation 3419001 (VCV003419001.2).
Genomic context (GRCh38, chr16:2,090,488, plus strand): 5'-GCCGTAGGGCGCCCCACAGCCGCAGTGCCCAGAGCCCCACACACAGCAGGGGTGACAGGT[G>A]CCAGGACTCGGCAGGACACAGGGTAGAGAGCCCAGTCCCAGGGCACAGCACCAACAGGGC-3'
Protein context (NP_001009944.3, residues 4071-4091): LSTLCPAESW[His4081Tyr]LSPLLCVGLW